The following is an entry in ClinVar:

ClinVar aggregate classification (germline): Pathogenic (1 of 4 stars; one submission).

Conditions:
Peroxisome biogenesis disorder. Identifiers: Orphanet 79189, MedGen C1832200, MONDO:0019234. Disease mechanism: loss of function.

Submission:

Labcorp Genetics (formerly Invitae), Labcorp
Classification: Pathogenic for Peroxisome biogenesis disorder. Last evaluated: 2024-02-20. Review status: criteria provided, single submitter. Criteria: Invitae Variant Classification Sherloc (09022015). Collection method: clinical testing. Allele origin: germline.
Comment: This sequence change affects the initiator methionine of the PEX6 mRNA. The next in-frame methionine is located at codon 288. This variant is not present in population databases (gnomAD no frequency). This variant has not been reported in the literature in individuals affected with PEX6-related conditions. ClinVar contains an entry for this variant (Variation ID: 1380352). This variant disrupts a region of the PEX6 protein in which other variant(s) (p.Pro274Leu) have been determined to be pathogenic (PMID: 15542397, 19877282, 24016303, 26387595). This suggests that this is a clinically significant region of the protein, and that variants that disrupt it are likely to be disease-causing. For these reasons, this variant has been classified as Pathogenic.

Literature cited by the submitters: PubMed 15542397; PubMed 19877282; PubMed 24016303; PubMed 26387595.

NM_000287.4(PEX6):c.2T>C (p.Met1Thr)

Gene: PEX6 (peroxisomal biogenesis factor 6; minus strand). Cytogenetic location: 6p21.1.
Variant type: single nucleotide variant.
Coding change: c.2T>C on transcript NM_000287.4 (MANE Select); coding-DNA position 2, T replaced by C.
Protein change: p.Met1Thr; changes the start codon (methionine 1).
Molecular consequence: missense variant, initiator codon variant. On other transcripts: non-coding transcript variant (1).
Genome position (GRCh38, 1-based): chr6:42,979,149, A>G on the plus strand (T>C on the coding strand, the complement: PEX6 is on the minus strand). VCF-style: chr6-42979149-A-G. GRCh37 (hg19) VCF-style: chr6-42946887-A-G.
Other names: c.2T>C, p.Met1Thr (NM_001316313.2); short protein forms M1T.
Identifiers: ClinVar variation 1380352 (VCV001380352.7), dbSNP rs1554128597, ClinGen allele CA364170153.
Genomic context (GRCh38, chr6:42,979,149, plus strand): 5'-ACTGCCAACGGGGGTGTCTCGGTCGGAAAGGGCTCCAGGACCCGCAAGACAGCCAGCGCC[A>G]TGGTGACAGGACACCAACGAGGAGGGTGAAGGAGCGCAGCTTCCGGAGCCAGAGAGCCAG-3'
Protein context (NP_000278.3, residues 1-11): [Met1Thr]ALAVLRVLEP